The following is an entry in ClinVar:

NM_003482.4(KMT2D):c.4724T>C (p.Met1575Thr)

Gene: KMT2D (lysine methyltransferase 2D; minus strand). Cytogenetic location: 12q13.12.
Variant type: single nucleotide variant.
Coding change: c.4724T>C on transcript NM_003482.4 (MANE Select); coding-DNA position 4724, T replaced by C.
Protein change: p.Met1575Thr; replaces methionine 1575 with threonine.
Molecular consequence: missense variant.
Genome position (GRCh38, 1-based): chr12:49,045,937, A>G on the plus strand (T>C on the coding strand, the complement: KMT2D is on the minus strand). VCF-style: chr12-49045937-A-G. GRCh37 (hg19) VCF-style: chr12-49439720-A-G.
Other names: short protein forms M1575T.
Identifiers: ClinVar variation 547424 (VCV000547424.4), dbSNP rs1555194803, ClinGen allele CA384643797.
Genomic context (GRCh38, chr12:49,045,937, plus strand): 5'-GACGTCTGGTCTGGCTTTGGCATTCAAAATTTCTGTGACTCACCTGGCTCTTTCACCTTC[A>G]TGGGCACCAGCTCTGGAGGTGCAACAGGCGCTATGGAGAGAAGGACAAACGGAGGTGGCT-3'
Protein context (NP_003473.3, residues 1565-1585): APVAPPELVP[Met1575Thr]KVKEPEPQYF

ClinVar aggregate classification (germline): Conflicting classifications of pathogenicity. Review status: criteria provided, conflicting classifications (1 of 4 stars). 3 submissions from 3 submitters: Uncertain significance (1); Benign (1). 1 of the submissions does not count toward it. Last evaluated 2025-07-15.

Conditions:
KMT2D-related disorder. Also called: KMT2D-Related Disorders.
Kabuki syndrome. Also called: NIIKAWA-KUROKI SYNDROME; Kabuki make-up syndrome. Identifiers: Orphanet 2322, MedGen C0796004, MONDO:0016512.
Kabuki syndrome 1 (KABUK1). Also called: KMT2D-Related Kabuki Syndrome. Identifiers: Orphanet 2322, MedGen CN030661, MONDO:0007843, OMIM 147920.

Allele frequency attached by ClinVar (database versions not stated): TOPMed below 0.00001; gnomAD exomes 0.00001.

Submissions (3):

Labcorp Genetics (formerly Invitae), Labcorp
Classification: Uncertain significance for Kabuki syndrome. Last evaluated: 2025-07-15. Review status: criteria provided, single submitter. Criteria: Invitae Variant Classification Sherloc (09022015). Collection method: clinical testing. Allele origin: germline.
Comment: This sequence change replaces methionine, which is neutral and non-polar, with threonine, which is neutral and polar, at codon 1575 of the KMT2D protein (p.Met1575Thr). This variant is not present in population databases (gnomAD no frequency). This variant has not been reported in the literature in individuals affected with KMT2D-related conditions. ClinVar contains an entry for this variant (Variation ID: 547424). Invitae Evidence Modeling of protein sequence and biophysical properties (such as structural, functional, and spatial information, amino acid conservation, physicochemical variation, residue mobility, and thermodynamic stability) indicates that this missense variant is not expected to disrupt KMT2D protein function with a negative predictive value of 95%. In summary, the available evidence is currently insufficient to determine the role of this variant in disease. Therefore, it has been classified as a Variant of Uncertain Significance.

Center for Human Genetics, Inc
Classification: Benign for Kabuki syndrome 1. Last evaluated: 2016-11-01. Review status: criteria provided, single submitter. Criteria: ACMG Guidelines, 2015. Collection method: clinical testing. Allele origin: germline. Affected: yes.

PreventionGenetics, part of Exact Sciences
Classification: Uncertain significance for KMT2D-related condition. Last evaluated: 2024-03-27. Review status: no assertion criteria provided. Collection method: clinical testing. Allele origin: germline. Not counted in ClinVar's aggregate classification.
Comment: The KMT2D c.4724T>C variant is predicted to result in the amino acid substitution p.Met1575Thr. To our knowledge, this variant has not been reported in the literature or in a large population database, indicating this variant is rare. At this time, the clinical significance of this variant is uncertain due to the absence of conclusive functional and genetic evidence.